The following is an entry in ClinVar:

ClinVar aggregate classification (germline): Uncertain significance. Review status: criteria provided, multiple submitters, no conflicts (2 of 4 stars). 4 submissions from 4 submitters: Uncertain significance (4). Last evaluated 2025-02-02.

Conditions:
Inborn genetic diseases. Identifiers: MedGen C0950123, MeSH D030342.

Allele frequency attached by ClinVar (database versions not stated): ExAC 0.00001; gnomAD 0.00001; TOPMed 0.00001; gnomAD exomes 0.00002 and 0.00003.
gnomAD v4.1: 44 of 1,613,890 alleles (0.0027%); highest among the groups gnomAD compares: East Asian, 0.0045%; no homozygotes.

Submissions (4):

GeneDx
Classification: Uncertain significance. Last evaluated: 2025-02-02. Review status: criteria provided, single submitter. Criteria: GeneDx Variant Classification Process June 2021. Collection method: clinical testing. Allele origin: germline. Affected: yes.
Comment: Not observed at significant frequency in large population cohorts (gnomAD); In silico analysis supports that this missense variant has a deleterious effect on protein structure/function; Has not been previously published as pathogenic or benign to our knowledge

Blueprint Genetics
Classification: Uncertain significance. Last evaluated: 2024-09-23. Review status: criteria provided, single submitter. Criteria: ACMG Guidelines, 2015. Collection method: clinical testing. Allele origin: germline.

Ambry Genetics
Classification: Uncertain significance for Inborn genetic diseases. Last evaluated: 2022-01-31. Review status: criteria provided, single submitter. Criteria: Ambry Variant Classification Scheme 2023. Collection method: clinical testing. Allele origin: germline.

Laboratory for Molecular Medicine, Mass General Brigham Personalized Medicine
Classification: Uncertain significance. Last evaluated: 2017-02-28. Review status: criteria provided, single submitter. Criteria: LMM Criteria. Collection method: clinical testing. Allele origin: germline. Observed: 1 variant allele.
Comment: The p.Arg3110Trp variant in MYO15A has not been previously reported in individua ls with hearing loss, but has been identified in 1/16102 South Asian chromosomes by the Exome Aggregation Consortium (ExAC; dbSN P rs773489275). Although this variant has been seen in the general population, i ts frequency is not high enough to rule out a pathogenic role. Computational pre diction tools and conservation analysis suggest that the p.Arg3110Trp variant ma y impact the protein, though this information is not predictive enough to determ ine pathogenicity. In summary, the clinical significance of the p.Arg3110Trp var iant is uncertain.

NM_016239.4(MYO15A):c.9328C>T (p.Arg3110Trp)

Gene: MYO15A (myosin XVA; plus strand). Cytogenetic location: 17p11.2.
Variant type: single nucleotide variant.
Coding change: c.9328C>T on transcript NM_016239.4 (MANE Select); coding-DNA position 9328, C replaced by T.
Protein change: p.Arg3110Trp; replaces arginine 3110 with tryptophan.
Molecular consequence: missense variant.
Genome position (GRCh38, 1-based): chr17:18,159,959, C>T. VCF-style: chr17-18159959-C-T. GRCh37 (hg19) VCF-style: chr17-18063273-C-T.
Other names: short protein forms R3110W.
Identifiers: ClinVar variation 517220 (VCV000517220.8), dbSNP rs773489275, ClinGen allele CA8425507.
Genomic context (GRCh38, chr17:18,159,959, plus strand): 5'-ATGTCTTTGGTGTGTAACCTCCCTGCCCCCCTTCAGCTGTGCGGGGACCATGAGGTCATG[C>T]GGGATGAATGTTACTGCCAAGTTGTGAAGCAGATCACAGACAATACCAGCTCCAAGCAGT-3'
Protein context (NP_057323.3, residues 3100-3120): LKLCGDHEVM[Arg3110Trp]DECYCQVVKQ